The following is an entry in ClinVar:

ClinVar aggregate classification (germline): Uncertain significance (1 of 4 stars; one submission).

Submission:

GeneDx
Classification: Uncertain significance. Last evaluated: 2025-12-15. Review status: criteria provided, single submitter. Criteria: GeneDx Variant Classification Process June 2021. Collection method: clinical testing. Allele origin: germline.
Comment: Not observed at significant frequency in large population cohorts (gnomAD); In silico analysis suggests that this missense variant does not alter protein structure/function; Has not been previously published as pathogenic or benign to our knowledge

NM_003470.3(USP7):c.1048A>G (p.Ile350Val)

Gene: USP7 (ubiquitin specific peptidase 7; minus strand). Cytogenetic location: 16p13.2.
Variant type: single nucleotide variant.
Coding change: c.1048A>G on transcript NM_003470.3 (MANE Select); coding-DNA position 1048, A replaced by G.
Protein change: p.Ile350Val; replaces isoleucine 350 with valine.
Molecular consequence: missense variant. On other transcripts: non-coding transcript variant (1).
Genome position (GRCh38, 1-based): chr16:8,915,284, T>C on the plus strand (A>G on the coding strand, the complement: USP7 is on the minus strand). VCF-style: chr16-8915284-T-C. GRCh37 (hg19) VCF-style: chr16-9009141-T-C.
Other names: c.1000A>G, p.Ile334Val (NM_001286457.2); c.751A>G, p.Ile251Val (NM_001286458.2); c.874A>G, p.Ile292Val (NM_001321858.2); short protein forms I251V, I292V, I334V, I350V.
Identifiers: ClinVar variation 4527651 (VCV004527651.2).